The following is an entry in ClinVar:

NM_000744.7(CHRNA4):c.1661C>T (p.Pro554Leu)

Gene: CHRNA4 (cholinergic receptor nicotinic alpha 4 subunit; minus strand). Cytogenetic location: 20q13.33.
Variant type: single nucleotide variant.
Coding change: c.1661C>T on transcript NM_000744.7 (MANE Select); coding-DNA position 1661, C replaced by T.
Protein change: p.Pro554Leu; replaces proline 554 with leucine.
Molecular consequence: missense variant. On other transcripts: non-coding transcript variant (1).
Genome position (GRCh38, 1-based): chr20:63,349,750, G>A on the plus strand (C>T on the coding strand, the complement: CHRNA4 is on the minus strand). VCF-style: chr20-63349750-G-A. GRCh37 (hg19) VCF-style: chr20-61981102-G-A.
Other names: c.1133C>T, p.Pro378Leu (NM_001256573.2); short protein forms P554L, P378L.
Identifiers: ClinVar variation 205034 (VCV000205034.13), dbSNP rs56000199, ClinGen allele CA313587.

ClinVar aggregate classification (germline): Likely benign. Review status: criteria provided, multiple submitters, no conflicts (2 of 4 stars). 2 submissions from 2 submitters: Likely benign (2). Last evaluated 2025-08-18.

Conditions:
CHRNA4-related disorder. Also called: CHRNA4-related condition.
Familial sleep-related hypermotor epilepsy. Also called: Autosomal Dominant Sleep-Related Hypermotor (Hyperkinetic) Epilepsy. Identifiers: Orphanet 98784, MedGen C3696898, MONDO:0000030.

Allele frequency attached by ClinVar (database versions not stated): gnomAD 0.00002 and 0.00004; TOPMed 0.00006; ExAC 0.00008; ESP Exome Variant Server 0.00008; gnomAD exomes 0.00008; 1000 Genomes Project 0.00040; 1000 Genomes Project 30x 0.00047.
gnomAD v4.1: 79 of 1,612,174 alleles (0.0049%); highest among the groups gnomAD compares: South Asian, 0.037%; 1 homozygote.

Submissions (2):

Labcorp Genetics (formerly Invitae), Labcorp
Classification: Likely benign. Last evaluated: 2025-08-18. Review status: criteria provided, single submitter. Criteria: Invitae Variant Classification Sherloc (09022015). Collection method: clinical testing. Allele origin: germline.

PreventionGenetics, part of Exact Sciences
Classification: Likely benign for CHRNA4-related condition. Last evaluated: 2025-05-27. Review status: criteria provided, single submitter. Criteria: ACMG Guidelines, 2015. Collection method: clinical testing. Allele origin: germline.
Comment: This variant is classified as likely benign based on ACMG/AMP sequence variant interpretation guidelines (Richards et al. 2015 PMID: 25741868, with internal and published modifications).